The following is an entry in ClinVar:

NM_000095.3(COMP):c.1336G>A (p.Asp446Asn)

Gene: COMP (cartilage oligomeric matrix protein; minus strand). Cytogenetic location: 19p13.11.
Variant type: single nucleotide variant.
Coding change: c.1336G>A on transcript NM_000095.3 (MANE Select); coding-DNA position 1336, G replaced by A.
Protein change: p.Asp446Asn; replaces aspartic acid 446 with asparagine.
Molecular consequence: missense variant.
Genome position (GRCh38, 1-based): chr19:18,786,118, C>T on the plus strand (G>A on the coding strand, the complement: COMP is on the minus strand). VCF-style: chr19-18786118-C-T. GRCh37 (hg19) VCF-style: chr19-18896928-C-T.
Other names: short protein forms D446N.
Identifiers: ClinVar variation 3723506 (VCV003723506.2).

ClinVar aggregate classification (germline): Pathogenic (1 of 4 stars; one submission).

Submission:

Labcorp Genetics (formerly Invitae), Labcorp
Classification: Pathogenic. Last evaluated: 2025-01-07. Review status: criteria provided, single submitter. Criteria: Invitae Variant Classification Sherloc (09022015). Collection method: clinical testing. Allele origin: germline.
Comment: This sequence change replaces aspartic acid, which is acidic and polar, with asparagine, which is neutral and polar, at codon 446 of the COMP protein (p.Asp446Asn). This variant is not present in population databases (gnomAD no frequency). This missense change has been observed in individual(s) with pseudoachondroplasia (PMID: 9388247, 33030144). In at least one individual the variant was observed to be de novo. Invitae Evidence Modeling of protein sequence and biophysical properties (such as structural, functional, and spatial information, amino acid conservation, physicochemical variation, residue mobility, and thermodynamic stability) indicates that this missense variant is expected to disrupt COMP protein function with a positive predictive value of 80%. This variant disrupts the p.Asp446 amino acid residue in COMP. Other variant(s) that disrupt this residue have been determined to be pathogenic (PMID: 24595329; internal data). This suggests that this residue is clinically significant, and that variants that disrupt this residue are likely to be disease-causing. For these reasons, this variant has been classified as Pathogenic.

Literature cited by the submitters: PubMed 9388247; PubMed 33030144; PubMed 24595329.